The following is an entry in ClinVar:

ClinVar aggregate classification (germline): Uncertain significance (1 of 4 stars; one submission).

Submission:

Labcorp Genetics (formerly Invitae), Labcorp
Classification: Uncertain significance. Last evaluated: 2024-12-18. Review status: criteria provided, single submitter. Criteria: Invitae Variant Classification Sherloc (09022015). Collection method: clinical testing. Allele origin: germline.
Comment: This sequence change replaces glutamic acid, which is acidic and polar, with lysine, which is basic and polar, at codon 538 of the ZNF408 protein (p.Glu538Lys). This variant is not present in population databases (gnomAD no frequency). This variant has not been reported in the literature in individuals affected with ZNF408-related conditions. An algorithm developed to predict the effect of missense changes on protein structure and function (PolyPhen-2) suggests that this variant is likely to be disruptive. In summary, the available evidence is currently insufficient to determine the role of this variant in disease. Therefore, it has been classified as a Variant of Uncertain Significance.

NM_024741.3(ZNF408):c.1612G>A (p.Glu538Lys)

Gene: ZNF408 (zinc finger protein 408; plus strand). Cytogenetic location: 11p11.2.
Variant type: single nucleotide variant.
Coding change: c.1612G>A on transcript NM_024741.3 (MANE Select); coding-DNA position 1612, G replaced by A.
Protein change: p.Glu538Lys; replaces glutamic acid 538 with lysine.
Molecular consequence: missense variant.
Genome position (GRCh38, 1-based): chr11:46,705,312, G>A. VCF-style: chr11-46705312-G-A. GRCh37 (hg19) VCF-style: chr11-46726862-G-A.
Other names: c.1588G>A, p.Glu530Lys (NM_001184751.2); short protein forms E530K, E538K.
Identifiers: ClinVar variation 3630123 (VCV003630123.2).
Genomic context (GRCh38, chr11:46,705,312, plus strand): 5'-CACACCGGGGAGCGTCCTTACCGCTGCCCACACTGTGCCGATGCCTTCCCCCAGCTGCCT[G>A]AACTGCGGCGCCATCTCATCTCACACACCGGGGAGGCCCACTTGTGCCCGGTGTGTGGCA-3'
Protein context (NP_079017.1, residues 528-548): HCADAFPQLP[Glu538Lys]LRRHLISHTG